The following is an entry in ClinVar:

NM_005422.4(TECTA):c.4976+6G>A

Genes: TBCEL-TECTA (TBCEL-TECTA readthrough; plus strand), TECTA (tectorin alpha; plus strand). Cytogenetic location: 11q23.3.
Variant type: single nucleotide variant.
Coding change: c.4976+6G>A on transcript NM_005422.4 (MANE Select); 6 bases into the intron after coding-DNA position 4976, G replaced by A.
Molecular consequence: intron variant.
Genome position (GRCh38, 1-based): chr11:121,160,427, G>A. VCF-style: chr11-121160427-G-A. GRCh37 (hg19) VCF-style: chr11-121031136-G-A.
Other names: c.5933+6G>A (NM_001378761.1).
Identifiers: ClinVar variation 1505320 (VCV001505320.6), dbSNP rs367731514, ClinGen allele CA6327608.

ClinVar aggregate classification (germline): Uncertain significance (1 of 4 stars; one submission).

Allele frequency attached by ClinVar (database versions not stated): gnomAD exomes 0.00001 and 0.00007; ExAC 0.00002; gnomAD 0.00004; TOPMed 0.00008; ESP Exome Variant Server 0.00015.
gnomAD v4.1: 107 of 1,607,916 alleles (0.0067%); highest among the groups gnomAD compares: Non-Finnish European, 0.009%; no homozygotes.

Submission:

Labcorp Genetics (formerly Invitae), Labcorp
Classification: Uncertain significance. Last evaluated: 2023-09-20. Review status: criteria provided, single submitter. Criteria: Invitae Variant Classification Sherloc (09022015). Collection method: clinical testing. Allele origin: germline.
Comment: In summary, the available evidence is currently insufficient to determine the role of this variant in disease. Therefore, it has been classified as a Variant of Uncertain Significance. Variants that disrupt the consensus splice site are a relatively common cause of aberrant splicing (PMID: 17576681, 9536098). Algorithms developed to predict the effect of sequence changes on RNA splicing suggest that this variant is not likely to affect RNA splicing. ClinVar contains an entry for this variant (Variation ID: 1505320). This variant has not been reported in the literature in individuals affected with TECTA-related conditions. This variant is present in population databases (rs367731514, gnomAD 0.004%). This sequence change falls in intron 14 of the TECTA gene. It does not directly change the encoded amino acid sequence of the TECTA protein. It affects a nucleotide within the consensus splice site.

Literature cited by the submitters: PubMed 17576681; PubMed 9536098.